The following is an entry in ClinVar:

ClinVar aggregate classification (germline): Uncertain significance (1 of 4 stars; one submission).

Conditions:
Hereditary spastic paraplegia 11. Also called: SPASTIC PARAPLEGIA, AUTOSOMAL RECESSIVE, COMPLICATED, WITH THIN CORPUS CALLOSUM; SPASTIC PARAPLEGIA, AUTOSOMAL RECESSIVE, WITH MENTAL IMPAIRMENT AND THIN CORPUS CALLOSUM; Spastic paraplegia, mental retardation and thin corpus callosum; Nakamura Osame syndrome; Autosomal recessive hereditary spastic paraplegia, mental impairment, and thin corpus callosum; Spastic Paraplegia 11. Identifiers: Orphanet 2822, MedGen C1858479, MONDO:0011445, OMIM 604360.

Allele frequency attached by ClinVar (database versions not stated): gnomAD exomes below 0.00001.
gnomAD v4.1: 2 of 1,612,116 alleles (0.00012%); highest among the groups gnomAD compares: Non-Finnish European, 0.00017%; no homozygotes.

Submission:

Labcorp Genetics (formerly Invitae), Labcorp
Classification: Uncertain significance for Hereditary spastic paraplegia 11. Last evaluated: 2019-03-06. Review status: criteria provided, single submitter. Criteria: Invitae Variant Classification Sherloc (09022015). Collection method: clinical testing. Allele origin: germline.
Comment: In summary, the available evidence is currently insufficient to determine the role of this variant in disease. Therefore, it has been classified as a Variant of Uncertain Significance. Nucleotide substitutions within the consensus splice site are a relatively common cause of aberrant splicing (PMID: 17576681, 9536098). Algorithms developed to predict the effect of sequence changes on RNA splicing suggest that this variant may disrupt the consensus splice site, but this prediction has not been confirmed by published transcriptional studies. This variant has not been reported in the literature in individuals with SPG11-related conditions. This variant is not present in population databases (ExAC no frequency). This sequence change falls in intron 13 of the SPG11 gene. It does not directly change the encoded amino acid sequence of the SPG11 protein, but it affects a nucleotide within the consensus splice site of the intron.

Literature cited by the submitters: PubMed 17576681; PubMed 9536098.

NM_025137.4(SPG11):c.2444+3A>T

Gene: SPG11 (SPG11 vesicle trafficking associated, spatacsin; minus strand). Cytogenetic location: 15q21.1.
Variant type: single nucleotide variant.
Coding change: c.2444+3A>T on transcript NM_025137.4 (MANE Select); 3 bases into the intron after coding-DNA position 2444, A replaced by T.
Molecular consequence: intron variant.
Genome position (GRCh38, 1-based): chr15:44,622,217, T>A on the plus strand (A>T on the coding strand, the complement: SPG11 is on the minus strand). VCF-style: chr15-44622217-T-A. GRCh37 (hg19) VCF-style: chr15-44914415-T-A.
Other names: c.2444+3A>T (NM_001160227.2).
Identifiers: ClinVar variation 860060 (VCV000860060.7), dbSNP rs1287398920, ClinGen allele CA617673783.